The following is an entry in ClinVar:

NM_001369268.1(ACAN):c.1484A>G (p.Glu495Gly)

Gene: ACAN (aggrecan; plus strand). Cytogenetic location: 15q26.1.
Variant type: single nucleotide variant.
Coding change: c.1484A>G on transcript NM_001369268.1 (MANE Select); coding-DNA position 1484, A replaced by G.
Protein change: p.Glu495Gly; replaces glutamic acid 495 with glycine.
Molecular consequence: missense variant.
Genome position (GRCh38, 1-based): chr15:88,847,297, A>G. VCF-style: chr15-88847297-A-G. GRCh37 (hg19) VCF-style: chr15-89390528-A-G.
Other names: c.1484A>G (NM_013227.3); c.1484A>G, p.Glu495Gly (NM_001135.4, NM_013227.4); short protein forms E495G.
Identifiers: ClinVar variation 1509637 (VCV001509637.8), dbSNP rs538870253, ClinGen allele CA7719566.

ClinVar aggregate classification (germline): Uncertain significance. Review status: criteria provided, multiple submitters, no conflicts (2 of 4 stars). 3 submissions from 3 submitters: Uncertain significance (3). Last evaluated 2026-06-11.

Conditions:
Inborn genetic diseases. Identifiers: MedGen C0950123, MeSH D030342.

Allele frequency attached by ClinVar (database versions not stated): gnomAD exomes 0.00005 and 0.00014; 1000 Genomes Project 0.00020; ExAC 0.00012; 1000 Genomes Project 30x 0.00016.
gnomAD v4.1: 126 of 1,572,760 alleles (0.008%); highest among the groups gnomAD compares: Admixed American, 0.097%; 1 homozygote.

Submissions (3):

Women's Health and Genetics/Laboratory Corporation of America, LabCorp
Classification: Uncertain significance. Last evaluated: 2026-06-11. Review status: criteria provided, single submitter. Criteria: LabCorp Variant Classification Summary - May 2015. Collection method: clinical testing. Allele origin: germline.
Comment: Variant summary: ACAN c.1484A>G (p.Glu495Gly) results in a non-conservative amino acid change in the encoded protein sequence. Algorithms developed to predict the effect of missense changes on protein structure and function are either unavailable or do not agree on the potential impact of this missense change. The variant allele was found at a frequency of 0.00014 in 184044 control chromosomes. This frequency is not significantly higher than estimated for disease-causing variants in ACAN, allowing no conclusion about variant significance. To our knowledge, no occurrence of c.1484A>G in individuals affected with ACAN-related conditions and no experimental evidence demonstrating its impact on protein function have been reported. ClinVar contains an entry for this variant (Variation ID: 1509637). Based on the evidence outlined above, the variant was classified as uncertain significance.

Labcorp Genetics (formerly Invitae), Labcorp
Classification: Uncertain significance. Last evaluated: 2025-09-22. Review status: criteria provided, single submitter. Criteria: Invitae Variant Classification Sherloc (09022015). Collection method: clinical testing. Allele origin: germline.
Comment: This sequence change replaces glutamic acid, which is acidic and polar, with glycine, which is neutral and non-polar, at codon 495 of the ACAN protein (p.Glu495Gly). This variant is present in population databases (rs538870253, gnomAD 0.08%). This variant has not been reported in the literature in individuals affected with ACAN-related conditions. ClinVar contains an entry for this variant (Variation ID: 1509637). Invitae Evidence Modeling of protein sequence and biophysical properties (such as structural, functional, and spatial information, amino acid conservation, physicochemical variation, residue mobility, and thermodynamic stability) indicates that this missense variant is not expected to disrupt ACAN protein function with a negative predictive value of 80%. In summary, the available evidence is currently insufficient to determine the role of this variant in disease. Therefore, it has been classified as a Variant of Uncertain Significance.

Ambry Genetics
Classification: Uncertain significance for Inborn genetic diseases. Last evaluated: 2024-04-22. Review status: criteria provided, single submitter. Criteria: Ambry Variant Classification Scheme 2023. Collection method: clinical testing. Allele origin: germline.